The following is an entry in ClinVar:

ClinVar aggregate classification (germline): Pathogenic (1 of 4 stars; one submission).

Submission:

Labcorp Genetics (formerly Invitae), Labcorp
Classification: Pathogenic. Last evaluated: 2022-05-27. Review status: criteria provided, single submitter. Criteria: Invitae Variant Classification Sherloc (09022015). Collection method: clinical testing. Allele origin: germline.
Comment: For these reasons, this variant has been classified as Pathogenic. This variant has not been reported in the literature in individuals affected with SLC12A3-related conditions. This variant is a gross deletion of the genomic region encompassing exon(s) 20-24 of the SLC12A3 gene. This deletion is out-of-frame, and is expected to create a premature termination codon and result in an absent or disrupted protein product. Loss-of-function variants in SLC12A3 are known to be pathogenic (PMID: 20848653, 22009145, 25841442).

Literature cited by the submitters: PubMed 20848653; PubMed 22009145; PubMed 25841442.

NC_000016.9:g.(?_56925985)_(56936430_?)del

Gene: SLC12A3 (solute carrier family 12 member 3; plus strand). Cytogenetic location: 16q13.
Variant type: Deletion.
Identifiers: ClinVar variation 1075065 (VCV001075065.6).